The following is an entry in ClinVar:

ClinVar aggregate classification (germline): Uncertain significance (1 of 4 stars; one submission).

Conditions:
Anterior segment dysgenesis 3 (ASGD3). Also called: IRIDOGONIODYSGENESIS ANOMALY, AUTOSOMAL DOMINANT; Glaucoma iridogoniodysplasia, familial. Identifiers: Orphanet 91483, MedGen C5975707, MONDO:0024456, OMIM 601631.

Submission:

3billion
Classification: Uncertain significance for Anterior segment dysgenesis 3. Last evaluated: 2025-08-19. Review status: criteria provided, single submitter. Criteria: ACMG Guidelines, 2015. Collection method: clinical testing. Allele origin: germline. Affected: yes.
Comment: The variant is not observed in the gnomAD v4.1.0 dataset. Predicted Consequence/Location: Missense variant In silico tool predictions suggest damaging effect of the variant on gene or gene product [REVEL: 0.89 (>=0.6, sensitivity 0.68 and specificity 0.92); 3Cnet: 0.99 (> 0.75, sensitivity 0.96 and precision 0.92)]. Therefore, this variant is classified as VUS according to the recommendation of ACMG/AMP guideline.

NM_001453.3(FOXC1):c.472T>C (p.Ser158Pro)

Gene: FOXC1 (forkhead box C1; plus strand). Cytogenetic location: 6p25.3.
Variant type: single nucleotide variant.
Coding change: c.472T>C on transcript NM_001453.3 (MANE Select); coding-DNA position 472, T replaced by C.
Protein change: p.Ser158Pro; replaces serine 158 with proline.
Molecular consequence: missense variant.
Genome position (GRCh38, 1-based): chr6:1,610,917, T>C. VCF-style: chr6-1610917-T-C. GRCh37 (hg19) VCF-style: chr6-1611152-T-C.
Other names: short protein forms S158P.
Identifiers: ClinVar variation 4856349 (VCV004856349.1).